The following is an entry in ClinVar:

ClinVar aggregate classification (germline): Uncertain significance (1 of 4 stars; one submission).

Submission:

GeneDx
Classification: Uncertain significance. Last evaluated: 2024-05-10. Review status: criteria provided, single submitter. Criteria: GeneDx Variant Classification Process June 2021. Collection method: clinical testing. Allele origin: germline. Affected: yes.
Comment: Not observed at significant frequency in large population cohorts (gnomAD); In silico analysis indicates that this missense variant does not alter protein structure/function; Has not been previously published as pathogenic or benign to our knowledge

NM_012398.3(PIP5K1C):c.1654C>G (p.Arg552Gly)

Gene: PIP5K1C (phosphatidylinositol-4-phosphate 5-kinase type 1 gamma; minus strand). Cytogenetic location: 19p13.3.
Variant type: single nucleotide variant.
Coding change: c.1654C>G on transcript NM_012398.3 (MANE Select); coding-DNA position 1654, C replaced by G.
Protein change: p.Arg552Gly; replaces arginine 552 with glycine.
Molecular consequence: missense variant.
Genome position (GRCh38, 1-based): chr19:3,642,935, G>C on the plus strand (C>G on the coding strand, the complement: PIP5K1C is on the minus strand). VCF-style: chr19-3642935-G-C. GRCh37 (hg19) VCF-style: chr19-3642933-G-C.
Other names: c.1654C>G, p.Arg552Gly (NM_001195733.2, NM_001300849.2); short protein forms R552G.
Identifiers: ClinVar variation 3375726 (VCV003375726.1).